The following is an entry in ClinVar:

NM_018714.3(COG1):c.2042G>A (p.Gly681Asp)

Gene: COG1 (component of oligomeric golgi complex 1; plus strand). Cytogenetic location: 17q25.1.
Variant type: single nucleotide variant.
Coding change: c.2042G>A on transcript NM_018714.3 (MANE Select); coding-DNA position 2042, G replaced by A.
Protein change: p.Gly681Asp; replaces glycine 681 with aspartic acid.
Molecular consequence: missense variant.
Genome position (GRCh38, 1-based): chr17:73,201,869, G>A. VCF-style: chr17-73201869-G-A. GRCh37 (hg19) VCF-style: chr17-71198008-G-A.
Other names: short protein forms G681D.
Identifiers: ClinVar variation 1463078 (VCV001463078.7), dbSNP rs766057419, ClinGen allele CA8740336.

ClinVar aggregate classification (germline): Uncertain significance (1 of 4 stars; one submission).

Conditions:
COG1 congenital disorder of glycosylation (CDG2G). Also called: CONGENITAL DISORDER OF GLYCOSYLATION, TYPE IIg; CDG IIg; CDGII/COG1 CEREBROCOSTOMANDIBULAR-LIKE SYNDROME. Identifiers: Orphanet 263508, MedGen C2931011, MONDO:0012637, OMIM 611209.

Allele frequency attached by ClinVar (database versions not stated): gnomAD exomes below 0.00001 and 0.00001; ExAC 0.00001; gnomAD 0.00001.
gnomAD v4.1: 5 of 1,614,186 alleles (0.00031%); highest among the groups gnomAD compares: South Asian, 0.0055%; no homozygotes.

Submission:

Labcorp Genetics (formerly Invitae), Labcorp
Classification: Uncertain significance for COG1 congenital disorder of glycosylation. Last evaluated: 2024-07-29. Review status: criteria provided, single submitter. Criteria: Invitae Variant Classification Sherloc (09022015). Collection method: clinical testing. Allele origin: germline.
Comment: This sequence change replaces glycine, which is neutral and non-polar, with aspartic acid, which is acidic and polar, at codon 681 of the COG1 protein (p.Gly681Asp). This variant is present in population databases (rs766057419, gnomAD 0.006%). This variant has not been reported in the literature in individuals affected with COG1-related conditions. ClinVar contains an entry for this variant (Variation ID: 1463078). Advanced modeling of protein sequence and biophysical properties (such as structural, functional, and spatial information, amino acid conservation, physicochemical variation, residue mobility, and thermodynamic stability) performed at Invitae indicates that this missense variant is not expected to disrupt COG1 protein function with a negative predictive value of 80%. In summary, the available evidence is currently insufficient to determine the role of this variant in disease. Therefore, it has been classified as a Variant of Uncertain Significance.